The following is an entry in ClinVar:

NM_001437.3(ESR2):c.757C>A (p.Pro253Thr)

Gene: ESR2 (estrogen receptor 2; minus strand). Cytogenetic location: 14q23.2.
Variant type: single nucleotide variant.
Coding change: c.757C>A on transcript NM_001437.3 (MANE Select); coding-DNA position 757, C replaced by A.
Protein change: p.Pro253Thr; replaces proline 253 with threonine.
Molecular consequence: missense variant. On other transcripts: non-coding transcript variant (2).
Genome position (GRCh38, 1-based): chr14:64,260,644, G>T on the plus strand (C>A on the coding strand, the complement: ESR2 is on the minus strand). VCF-style: chr14-64260644-G-T. GRCh37 (hg19) VCF-style: chr14-64727362-G-T.
Other names: c.757C>A, p.Pro253Thr (NM_001040275.1, NM_001214902.1, NM_001271876.1 and 3 more transcripts); short protein forms P253T.
Identifiers: ClinVar variation 1449586 (VCV001449586.8), dbSNP rs748219656, ClinGen allele CA390006908.

ClinVar aggregate classification (germline): Uncertain significance (1 of 4 stars; one submission).

Allele frequency attached by ClinVar (database versions not stated): gnomAD 0.00002.
gnomAD v4.1: 4 of 1,607,992 alleles (0.00025%); highest among the groups gnomAD compares: African/African-American, 0.004%; no homozygotes.

Submission:

Labcorp Genetics (formerly Invitae), Labcorp
Classification: Uncertain significance. Last evaluated: 2021-04-11. Review status: criteria provided, single submitter. Criteria: Invitae Variant Classification Sherloc (09022015). Collection method: clinical testing. Allele origin: germline.
Comment: This variant is not present in population databases (ExAC no frequency). This sequence change replaces proline with threonine at codon 253 of the ESR2 protein (p.Pro253Thr). The proline residue is weakly conserved and there is a small physicochemical difference between proline and threonine. This variant has not been reported in the literature in individuals with ESR2-related conditions. Algorithms developed to predict the effect of missense changes on protein structure and function output the following: SIFT: "Tolerated"; PolyPhen-2: "Benign"; Align-GVGD: "Class C0". The threonine amino acid residue is found in multiple mammalian species, suggesting that this missense change does not adversely affect protein function. These predictions have not been confirmed by published functional studies and their clinical significance is uncertain. In summary, the available evidence is currently insufficient to determine the role of this variant in disease. Therefore, it has been classified as a Variant of Uncertain Significance.